The following is an entry in ClinVar:

ClinVar aggregate classification (germline): Uncertain significance. Review status: criteria provided, multiple submitters, no conflicts (2 of 4 stars). 2 submissions from 2 submitters: Uncertain significance (2). Last evaluated 2025-02-08.

Conditions:
Inborn genetic diseases. Identifiers: MedGen C0950123, MeSH D030342.

Allele frequency attached by ClinVar (database versions not stated): gnomAD exomes below 0.00001 and 0.00002; TOPMed 0.00001; ExAC 0.00002.
gnomAD v4.1: 5 of 1,609,854 alleles (0.00031%); highest among the groups gnomAD compares: Admixed American, 0.0083%; no homozygotes.

Submissions (2):

Ambry Genetics
Classification: Uncertain significance for Inborn genetic diseases. Last evaluated: 2025-02-08. Review status: criteria provided, single submitter. Criteria: Ambry Variant Classification Scheme 2023. Collection method: clinical testing. Allele origin: germline.

Labcorp Genetics (formerly Invitae), Labcorp
Classification: Uncertain significance. Last evaluated: 2021-11-04. Review status: criteria provided, single submitter. Criteria: Invitae Variant Classification Sherloc (09022015). Collection method: clinical testing. Allele origin: germline.
Comment: In summary, the available evidence is currently insufficient to determine the role of this variant in disease. Therefore, it has been classified as a Variant of Uncertain Significance. Algorithms developed to predict the effect of missense changes on protein structure and function (SIFT, PolyPhen-2, Align-GVGD) all suggest that this variant is likely to be tolerated. This variant has not been reported in the literature in individuals affected with GTF2E2-related conditions. This variant is present in population databases (rs777361051, gnomAD 0.01%). This sequence change replaces alanine, which is neutral and non-polar, with serine, which is neutral and polar, at codon 278 of the GTF2E2 protein (p.Ala278Ser).

NM_002095.6(GTF2E2):c.832G>T (p.Ala278Ser)

Gene: GTF2E2 (general transcription factor IIE subunit 2; minus strand). Cytogenetic location: 8p12.
Variant type: single nucleotide variant.
Coding change: c.832G>T on transcript NM_002095.6 (MANE Select); coding-DNA position 832, G replaced by T.
Protein change: p.Ala278Ser; replaces alanine 278 with serine.
Molecular consequence: missense variant.
Genome position (GRCh38, 1-based): chr8:30,578,965, C>A on the plus strand (G>T on the coding strand, the complement: GTF2E2 is on the minus strand). VCF-style: chr8-30578965-C-A. GRCh37 (hg19) VCF-style: chr8-30436482-C-A.
Other names: c.832G>T (NM_002095.4); short protein forms A278S.
Identifiers: ClinVar variation 1461300 (VCV001461300.6), dbSNP rs777361051, ClinGen allele CA4700849.